The following is an entry in ClinVar:

ClinVar aggregate classification (germline): Uncertain significance. Review status: criteria provided, multiple submitters, no conflicts (2 of 4 stars). 9 submissions from 9 submitters: Uncertain significance (8). 1 of the submissions does not count toward it. Last evaluated 2026-02-02.

Conditions:
Hereditary cancer-predisposing syndrome. Also called: Neoplastic Syndromes, Hereditary; Hereditary Cancer Syndrome; Tumor predisposition; Hereditary neoplastic syndrome. Identifiers: Orphanet 140162, MedGen C0027672, MeSH D009386, MONDO:0015356.
Familial cancer of breast. Also called: Hereditary breast cancer; BREAST CANCER, FAMILIAL; hereditary breast carcinoma. Identifiers: Orphanet 227535, MedGen C0346153, MONDO:0016419, OMIM 114480. Disease mechanism: loss of function.
Ataxia-telangiectasia syndrome (AT). Also called: LOUIS-BAR SYNDROME; Cerebello-oculocutaneous telangiectasia; Immunodeficiency with ataxia telangiectasia; Ataxia-telangiectasia, complementation group D; AT, COMPLEMENTATION GROUP C; Ataxia-telangiectasia, complementation group E. Identifiers: Orphanet 100, MedGen C0004135, MONDO:0008840, OMIM 208900.

Allele frequency attached by ClinVar (database versions not stated): gnomAD exomes 0.00001; ExAC 0.00001; TOPMed 0.00002.
gnomAD v4.1: 5 of 1,614,106 alleles (0.00031%); no homozygotes.

Submissions (9):

Labcorp Genetics (formerly Invitae), Labcorp
Classification: Uncertain significance for Ataxia-telangiectasia syndrome. Last evaluated: 2026-02-02. Review status: criteria provided, single submitter. Criteria: Invitae Variant Classification Sherloc (09022015). Collection method: clinical testing. Allele origin: germline.
Comment: This sequence change replaces arginine, which is basic and polar, with glycine, which is neutral and non-polar, at codon 2582 of the ATM protein (p.Arg2582Gly). This variant is present in population databases (rs750224234, gnomAD 0.01%). This variant has not been reported in the literature in individuals affected with ATM-related conditions. ClinVar contains an entry for this variant (Variation ID: 420940). Invitae Evidence Modeling of protein sequence and biophysical properties (such as structural, functional, and spatial information, amino acid conservation, physicochemical variation, residue mobility, and thermodynamic stability) indicates that this missense variant is not expected to disrupt ATM protein function with a negative predictive value of 95%. In summary, the available evidence is currently insufficient to determine the role of this variant in disease. Therefore, it has been classified as a Variant of Uncertain Significance.

Ambry Genetics
Classification: Uncertain significance for Hereditary cancer-predisposing syndrome. Last evaluated: 2025-11-25. Review status: criteria provided, single submitter. Criteria: Ambry Variant Classification Scheme 2023. Collection method: clinical testing. Allele origin: germline.
Comment: The p.R2582G variant (also known as c.7744A>G), located in coding exon 51 of the ATM gene, results from an A to G substitution at nucleotide position 7744. The arginine at codon 2582 is replaced by glycine, an amino acid with dissimilar properties. This amino acid position is not well conserved in available vertebrate species. In addition, this alteration is predicted to be tolerated by in silico analysis. Based on the available evidence, the clinical significance of this variant remains unclear.

Molecular Pathology, Peter Maccallum Cancer Centre
Classification: Uncertain significance for Ataxia-telangiectasia syndrome. Last evaluated: 2025-02-14. Review status: criteria provided, single submitter. Criteria: ACMG Guidelines, 2015. Collection method: clinical testing. Allele origin: germline. Inheritance: Autosomal recessive inheritance.

Quest Diagnostics Nichols Institute San Juan Capistrano
Classification: Uncertain significance. Last evaluated: 2024-10-31. Review status: criteria provided, single submitter. Criteria: Quest Diagnostics criteria. Collection method: clinical testing. Allele origin: unknown.
Comment: The ATM c.7744A>G (p.Arg2582Gly) variant has not been reported in individuals with ATM-related conditions in the published literature. The frequency of this variant in the general population, 0.000008 (2/251094 chromosomes (Genome Aggregation Database)), is uninformative in the assessment of its pathogenicity. Analysis of this variant using bioinformatics tools for the prediction of the effect of amino acid changes on protein structure and function yielded conflicting predictions that this variant is benign or damaging. Based on the available information, we are unable to determine the clinical significance of this variant.

GeneDx
Classification: Uncertain significance. Last evaluated: 2024-04-25. Review status: criteria provided, single submitter. Criteria: GeneDx Variant Classification Process June 2021. Collection method: clinical testing. Allele origin: germline. Affected: yes.
Comment: Not observed at significant frequency in large population cohorts (gnomAD); In silico analysis indicates that this missense variant does not alter protein structure/function; Observed in an individual with nasopharyngeal carcinoma (PMID: 28256603); This variant is associated with the following publications: (PMID: 35585550, 28256603)

Color Diagnostics, LLC DBA Color Health
Classification: Uncertain significance for Hereditary cancer-predisposing syndrome. Last evaluated: 2024-03-27. Review status: criteria provided, single submitter. Criteria: ACMG Guidelines, 2015. Collection method: clinical testing. Allele origin: germline.
Comment: This missense variant replaces arginine with glycine at codon 2582 of the ATM protein. Computational prediction suggests that this variant may not impact protein structure and function. To our knowledge, functional studies have not been reported for this variant. This variant has not been reported in individuals affected with ATM-related disorders in the literature. This variant has been identified in 2/251094 chromosomes in the general population by the Genome Aggregation Database (gnomAD). The available evidence is insufficient to determine the role of this variant in disease conclusively. Therefore, this variant is classified as a Variant of Uncertain Significance.

Baylor Genetics
Classification: Uncertain significance for Familial cancer of breast. Last evaluated: 2023-10-16. Review status: criteria provided, single submitter. Criteria: ACMG Guidelines, 2015. Collection method: clinical testing. Allele origin: unknown.

Blueprint Genetics
Classification: Uncertain significance. Last evaluated: 2023-10-05. Review status: criteria provided, single submitter. Criteria: ACMG Guidelines, 2015. Collection method: clinical testing. Allele origin: germline.

Natera, Inc.
Classification: Uncertain significance for Ataxia-telangiectasia. Last evaluated: 2020-09-16. Review status: no assertion criteria provided. Collection method: clinical testing. Allele origin: germline. Not counted in ClinVar's aggregate classification.

Literature cited by the submitters: PubMed 35585550 (cited by Quest Diagnostics Nichols Institute San Juan Capistrano).

NM_000051.4(ATM):c.7744A>G (p.Arg2582Gly)

Genes: ATM (ATM serine/threonine kinase; plus strand), C11orf65 (chromosome 11 open reading frame 65; minus strand). Cytogenetic location: 11q22.3.
Variant type: single nucleotide variant.
Coding change: c.7744A>G on transcript NM_000051.4 (MANE Select); coding-DNA position 7744, A replaced by G.
Protein change: p.Arg2582Gly; replaces arginine 2582 with glycine.
Molecular consequence: missense variant. On other transcripts: intron variant (2).
Genome position (GRCh38, 1-based): chr11:108,331,993, A>G. VCF-style: chr11-108331993-A-G. GRCh37 (hg19) VCF-style: chr11-108202720-A-G.
Other names: c.7744A>G, p.Arg2582Gly (NM_001351834.2); c.641-22922T>C (NM_001330368.2); c.*38+3227T>C (NM_001351110.2); short protein forms R2582G.
Identifiers: ClinVar variation 420940 (VCV000420940.27), dbSNP rs750224234, ClinGen allele CA6266173.